The following is an entry in ClinVar:

NM_001127222.2(CACNA1A):c.2229G>C (p.Lys743Asn)

Gene: CACNA1A (calcium voltage-gated channel subunit alpha1 A; minus strand). Cytogenetic location: 19p13.13.
Variant type: single nucleotide variant.
Coding change: c.2229G>C on transcript NM_001127222.2 (MANE Select); coding-DNA position 2229, G replaced by C.
Protein change: p.Lys743Asn; replaces lysine 743 with asparagine.
Molecular consequence: missense variant.
Genome position (GRCh38, 1-based): chr19:13,300,600, C>G on the plus strand (G>C on the coding strand, the complement: CACNA1A is on the minus strand). VCF-style: chr19-13300600-C-G. GRCh37 (hg19) VCF-style: chr19-13411414-C-G.
Other names: c.2241G>C, p.Lys747Asn (NM_000068.4, NM_023035.3); c.2232G>C, p.Lys744Asn (NM_001127221.2, NM_001174080.2); short protein forms K743N, K747N, K744N.
Identifiers: ClinVar variation 3483911 (VCV003483911.2).

ClinVar aggregate classification (germline): Uncertain significance. Review status: criteria provided, multiple submitters, no conflicts (2 of 4 stars). 2 submissions from 2 submitters: Uncertain significance (2). Last evaluated 2025-02-07.

Conditions:
Inborn genetic diseases. Identifiers: MedGen C0950123, MeSH D030342.

Submissions (2):

GeneDx
Classification: Uncertain significance. Last evaluated: 2025-02-07. Review status: criteria provided, single submitter. Criteria: GeneDx Variant Classification Process June 2021. Collection method: clinical testing. Allele origin: germline. Affected: yes.
Comment: Not observed at significant frequency in large population cohorts (gnomAD); In silico analysis supports that this missense variant has a deleterious effect on protein structure/function; Has not been previously published as pathogenic or benign to our knowledge

Ambry Genetics
Classification: Uncertain significance for Inborn genetic diseases. Last evaluated: 2024-08-20. Review status: criteria provided, single submitter. Criteria: Ambry Variant Classification Scheme 2023. Collection method: clinical testing. Allele origin: germline.